The following is an entry in ClinVar:

NM_016729.3(FOLR1):c.334A>G (p.Asn112Asp)

Genes: FOLR1 (folate receptor alpha; plus strand), FOLR1-AS1 (FOLR1 antisense RNA 1; minus strand). Cytogenetic location: 11q13.4.
Variant type: single nucleotide variant.
Coding change: c.334A>G on transcript NM_016729.3 (MANE Select); coding-DNA position 334, A replaced by G.
Protein change: p.Asn112Asp; replaces asparagine 112 with aspartic acid.
Molecular consequence: missense variant.
Genome position (GRCh38, 1-based): chr11:72,195,436, A>G. VCF-style: chr11-72195436-A-G. GRCh37 (hg19) VCF-style: chr11-71906480-A-G.
Other names: c.334A>G, p.Asn112Asp (NM_000802.3, NM_016724.3, NM_016725.3); short protein forms N112D.
Identifiers: ClinVar variation 1329857 (VCV001329857.2), dbSNP rs2135388449, ClinGen allele CA381732635.

ClinVar aggregate classification (germline): Uncertain significance (1 of 4 stars; one submission).

Conditions:
Seizure. Also called: Seizures. Identifiers: MedGen C0036572, HP:0001250.

Submission:

Cytogénomique, Hospices Civils de Lyon
Classification: Uncertain significance for Seizure. Last evaluated: 2021-12-15. Review status: criteria provided, single submitter. Criteria: ACMG Guidelines, 2015. Collection method: clinical testing. Allele origin: biparental. Inheritance: Autosomal recessive inheritance. Affected: yes. Observed: 1 variant allele, 1 homozygote.
Comment: absent from gnomad. Predicted deleterious.